The following is an entry in ClinVar:

NM_000051.4(ATM):c.4610_4611del (p.Gln1537fs)

Gene: ATM (ATM serine/threonine kinase; plus strand). Cytogenetic location: 11q22.3.
Variant type: Deletion.
Coding change: c.4610_4611del on transcript NM_000051.4 (MANE Select); coding-DNA positions 4610 to 4611, 2 bases deleted (AG; older notation c.4610_4611delAG).
Protein change: p.Gln1537fs; shifts the reading frame from glutamine 1537.
Molecular consequence: frameshift variant.
Genome position (GRCh38, 1-based): chr11:108,292,792-108,292,793, AG deleted. VCF-style (leftmost placement, unchanged base first): chr11-108292791-CAG-C. GRCh37 (hg19) VCF-style: chr11-108163518-CAG-C.
Other names: c.4610_4611del, p.Gln1537fs (NM_001351834.2); short protein forms Q1537fs.
Identifiers: ClinVar variation 2842904 (VCV002842904.5), dbSNP rs2546926562, ClinGen allele CA2695214775.

ClinVar aggregate classification (germline): Pathogenic. Review status: criteria provided, multiple submitters, no conflicts (2 of 4 stars). 3 submissions from 3 submitters: Pathogenic (3). Last evaluated 2025-11-13.

Conditions:
Ataxia-telangiectasia syndrome (AT). Also called: Cerebello-oculocutaneous telangiectasia; Immunodeficiency with ataxia telangiectasia; Ataxia-telangiectasia, complementation group E; Ataxia-telangiectasia, complementation group D; LOUIS-BAR SYNDROME; AT, COMPLEMENTATION GROUP C. Identifiers: Orphanet 100, MedGen C0004135, MONDO:0008840, OMIM 208900.
Hereditary cancer-predisposing syndrome. Also called: Hereditary Cancer Syndrome; Hereditary neoplastic syndrome; Neoplastic Syndromes, Hereditary; Tumor predisposition. Identifiers: Orphanet 140162, MedGen C0027672, MeSH D009386, MONDO:0015356.
Familial cancer of breast. Also called: BREAST CANCER, FAMILIAL; Hereditary breast cancer; hereditary breast carcinoma. Identifiers: Orphanet 227535, MedGen C0346153, MONDO:0016419, OMIM 114480. Disease mechanism: loss of function.

Submissions (3):

Labcorp Genetics (formerly Invitae), Labcorp
Classification: Pathogenic for Ataxia-telangiectasia syndrome. Last evaluated: 2025-11-13. Review status: criteria provided, single submitter. Criteria: Invitae Variant Classification Sherloc (09022015). Collection method: clinical testing. Allele origin: germline.
Comment: This sequence change creates a premature translational stop signal (p.Gln1537Argfs*12) in the ATM gene. RNA analysis indicates that this premature translational stop signal induces altered splicing and may result in an absent or altered protein product. This variant is not present in population databases (gnomAD no frequency). This variant has not been reported in the literature in individuals affected with ATM-related conditions. ClinVar contains an entry for this variant (Variation ID: 2842904). Studies have shown that this premature translational stop signal results in skipping of exon 30, and produces a non-functional protein and/or introduces a premature termination codon (internal data). For these reasons, this variant has been classified as Pathogenic.

Ambry Genetics
Classification: Pathogenic for Hereditary cancer-predisposing syndrome. Last evaluated: 2025-10-06. Review status: criteria provided, single submitter. Criteria: Ambry Variant Classification Scheme 2023. Collection method: clinical testing. Allele origin: germline.
Comment: The c.4610_4611delAG pathogenic mutation, located in coding exon 29 of the ATM gene, results from a deletion of two nucleotides at nucleotide positions 4610 to 4611, causing a translational frameshift with a predicted alternate stop codon (p.Q1537Rfs*12). This variant is considered to be rare based on population cohorts in the Genome Aggregation Database (gnomAD). This alteration is expected to result in loss of function by premature protein truncation or nonsense-mediated mRNA decay. As such, this alteration is interpreted as a disease-causing mutation.

Myriad Genetics, Inc.
Classification: Pathogenic for Familial cancer of breast. Last evaluated: 2024-01-24. Review status: criteria provided, single submitter. Criteria: Myriad Autosomal Dominant, Autosomal Recessive and X-Linked Classification Criteria (2023). Collection method: clinical testing. Allele origin: unknown.
Comment: This variant is considered pathogenic. This variant creates a frameshift predicted to result in premature protein truncation.